The following is an entry in ClinVar:

ClinVar aggregate classification (germline): Pathogenic (1 of 4 stars; one submission).

Conditions:
Myofibrillar myopathy 5. Also called: Filaminopathy (type); FILAMINOPATHY, AUTOSOMAL DOMINANT. Identifiers: Orphanet 171445, MedGen C1836050, MONDO:0012289, OMIM 609524.
Hypertrophic cardiomyopathy 26. Also called: Cardiomyopathy, familial hypertrophic, 26. Identifiers: Orphanet 75249, MedGen C4310749, MONDO:0014883, OMIM 617047.
Distal myopathy with posterior leg and anterior hand involvement. Also called: WILLIAMS DISTAL MYOPATHY. Identifiers: Orphanet 63273, MedGen C3279722, MONDO:0013550, OMIM 614065.

Submission:

Labcorp Genetics (formerly Invitae), Labcorp
Classification: Pathogenic for Distal myopathy with posterior leg and anterior hand involvement; Myofibrillar myopathy 5; Hypertrophic cardiomyopathy 26. Last evaluated: 2023-05-30. Review status: criteria provided, single submitter. Criteria: Invitae Variant Classification Sherloc (09022015). Collection method: clinical testing. Allele origin: germline.
Comment: For these reasons, this variant has been classified as Pathogenic. This variant has not been reported in the literature in individuals affected with FLNC-related conditions. This variant is not present in population databases (gnomAD no frequency). This sequence change creates a premature translational stop signal (p.Lys1615Asnfs*51) in the FLNC gene. It is expected to result in an absent or disrupted protein product. Loss-of-function variants in FLNC are known to be pathogenic (PMID: 27908349).

Literature cited by the submitters: PubMed 27908349.

NM_001458.5(FLNC):c.4845del (p.Lys1615fs)

Gene: FLNC (filamin C; plus strand). Cytogenetic location: 7q32.1.
Variant type: Deletion.
Coding change: c.4845del on transcript NM_001458.5 (MANE Select); coding-DNA position 4845, one base deleted (G; older notation c.4845delG).
Protein change: p.Lys1615fs; shifts the reading frame from lysine 1615.
Molecular consequence: frameshift variant.
Genome position (GRCh38, 1-based): chr7:128,848,900, G deleted. VCF-style (leftmost placement, unchanged base first): chr7-128848899-AG-A. GRCh37 (hg19) VCF-style: chr7-128488953-AG-A.
Other names: c.4845del, p.Lys1615fs (NM_001127487.2); short protein forms K1615fs.
Identifiers: ClinVar variation 2946214 (VCV002946214.3), dbSNP rs2536648913, ClinGen allele CA2740094842.